The following is an entry in ClinVar:

NM_001031679.3(MSRB3):c.91A>G (p.Lys31Glu)

Gene: MSRB3 (methionine sulfoxide reductase B3; plus strand). Cytogenetic location: 12q14.3.
Variant type: single nucleotide variant.
Coding change: c.91A>G on transcript NM_001031679.3 (MANE Select); coding-DNA position 91, A replaced by G.
Protein change: p.Lys31Glu; replaces lysine 31 with glutamic acid.
Molecular consequence: missense variant.
Genome position (GRCh38, 1-based): chr12:65,326,840, A>G. VCF-style: chr12-65326840-A-G. GRCh37 (hg19) VCF-style: chr12-65720620-A-G.
Other names: c.91A>G, p.Lys31Glu (NM_001193460.2, NM_001193461.2); c.112A>G, p.Lys38Glu (NM_198080.4); short protein forms K31E, K38E.
Identifiers: ClinVar variation 3769919 (VCV003769919.3).
Genomic context (GRCh38, chr12:65,326,840, plus strand): 5'-ATTCAAGCTAAAAAGGCTTCTTCTCCCATATCCTCTCTCTTTTCAGGGTCGTGTAGGGAT[A>G]AAAAGAACTGTAAGGTGGTCTTTTCCCAGCAGGAACTGAGGAAGCGGCTAACACCCCTGC-3'
Protein context (NP_001026849.1, residues 21-41): CGLPSGSCRD[Lys31Glu]KNCKVVFSQQ

ClinVar aggregate classification (germline): Uncertain significance. Review status: criteria provided, multiple submitters, no conflicts (2 of 4 stars). 3 submissions from 3 submitters: Uncertain significance (3). Last evaluated 2025-08-12.

Conditions:
Inborn genetic diseases. Identifiers: MedGen C0950123, MeSH D030342.

gnomAD v4.1: 80 of 1,612,804 alleles (0.005%); highest among the groups gnomAD compares: Non-Finnish European, 0.0066%; no homozygotes.

Submissions (3):

Ambry Genetics
Classification: Uncertain significance for Inborn genetic diseases. Last evaluated: 2025-08-12. Review status: criteria provided, single submitter. Criteria: Ambry Variant Classification Scheme 2023. Collection method: clinical testing. Allele origin: germline.

GeneDx
Classification: Uncertain significance. Last evaluated: 2024-09-17. Review status: criteria provided, single submitter. Criteria: GeneDx Variant Classification Process June 2021. Collection method: clinical testing. Allele origin: germline. Affected: yes.
Comment: Not observed at significant frequency in large population cohorts (gnomAD); In silico analysis indicates that this missense variant does not alter protein structure/function; Has not been previously published as pathogenic or benign to our knowledge

Blueprint Genetics
Classification: Uncertain significance. Last evaluated: 2023-03-02. Review status: criteria provided, single submitter. Criteria: ACMG Guidelines, 2015. Collection method: clinical testing. Allele origin: germline.